The following is an entry in ClinVar:

ClinVar aggregate classification (germline): Benign (1 of 4 stars; one submission).

Conditions:
Familial colorectal cancer type X. Identifiers: Orphanet 440437, MedGen C3896578, MONDO:0018604.

Submission:

Myriad Genetics, Inc.
Classification: Benign for Familial colorectal cancer type X. Last evaluated: 2026-08-04. Review status: criteria provided, single submitter. Criteria: Myriad Autosomal Dominant, Autosomal Recessive and X-Linked Classification Criteria (2023). Collection method: clinical testing. Allele origin: unknown.
Comment: This variant is considered benign. This variant is a silent/synonymous amino acid change and it is not expected to impact splicing.

NM_001023.4(RPS20):c.321G>A (p.Glu107=)

Gene: RPS20 (ribosomal protein S20; minus strand). Cytogenetic location: 8q12.1.
Variant type: single nucleotide variant.
Coding change: c.321G>A on transcript NM_001023.4 (MANE Select); coding-DNA position 321, G replaced by A.
Protein change: p.Glu107=; no amino-acid change (glutamic acid 107 retained).
Molecular consequence: synonymous variant.
Genome position (GRCh38, 1-based): chr8:56,073,129, C>T on the plus strand (G>A on the coding strand, the complement: RPS20 is on the minus strand). VCF-style: chr8-56073129-C-T. GRCh37 (hg19) VCF-style: chr8-56985688-C-T.
Other names: c.321G>A, p.Glu107= (NM_001146227.3).
Identifiers: ClinVar variation 5042224 (VCV005042224.1).